The following is an entry in ClinVar:

NM_018249.6(CDK5RAP2):c.2126A>G (p.Asp709Gly)

Gene: CDK5RAP2 (CDK5 regulatory subunit associated protein 2; minus strand). Cytogenetic location: 9q33.2.
Variant type: single nucleotide variant.
Coding change: c.2126A>G on transcript NM_018249.6 (MANE Select); coding-DNA position 2126, A replaced by G.
Protein change: p.Asp709Gly; replaces aspartic acid 709 with glycine.
Molecular consequence: missense variant. On other transcripts: non-coding transcript variant (5), intron variant (3).
Genome position (GRCh38, 1-based): chr9:120,460,648, T>C on the plus strand (A>G on the coding strand, the complement: CDK5RAP2 is on the minus strand). VCF-style: chr9-120460648-T-C. GRCh37 (hg19) VCF-style: chr9-123222926-T-C.
Other names: c.2126A>G, p.Asp709Gly (NM_001011649.3); c.2123A>G, p.Asp708Gly (NM_001410994.1); c.2103+7212A>G (NM_001272039.2); c.2104-2026A>G (NM_001410992.1); c.2107-2026A>G (NM_001410993.1); short protein forms D708G, D709G.
Identifiers: ClinVar variation 3699907 (VCV003699907.2).

ClinVar aggregate classification (germline): Uncertain significance (1 of 4 stars; one submission).

Submission:

Labcorp Genetics (formerly Invitae), Labcorp
Classification: Uncertain significance. Last evaluated: 2024-05-29. Review status: criteria provided, single submitter. Criteria: Invitae Variant Classification Sherloc (09022015). Collection method: clinical testing. Allele origin: germline.
Comment: This sequence change replaces aspartic acid, which is acidic and polar, with glycine, which is neutral and non-polar, at codon 709 of the CDK5RAP2 protein (p.Asp709Gly). This variant is not present in population databases (gnomAD no frequency). This variant has not been reported in the literature in individuals affected with CDK5RAP2-related conditions. An algorithm developed to predict the effect of missense changes on protein structure and function (PolyPhen-2) suggests that this variant is likely to be disruptive. In summary, the available evidence is currently insufficient to determine the role of this variant in disease. Therefore, it has been classified as a Variant of Uncertain Significance.